The following is an entry in ClinVar:

NM_133259.4(LRPPRC):c.3275+3_3275+6del

Gene: LRPPRC (leucine rich pentatricopeptide repeat containing; minus strand). Cytogenetic location: 2p21.
Variant type: Deletion.
Coding change: c.3275+3_3275+6del on transcript NM_133259.4 (MANE Select); bases 3 to 6 of the intron after coding-DNA position 3275, 4 bases deleted (AAGT; older notation c.3275+3_3275+6delAAGT).
Molecular consequence: splice donor variant.
Genome position (GRCh38, 1-based): chr2:43,912,426-43,912,429, ACTT deleted on the plus strand (AAGT on the coding strand, the reverse complement: LRPPRC is on the minus strand); deleting any 4 consecutive bases within chr2:43,912,426-43,912,431 gives the same sequence; the c. name uses the placement nearest the transcript's 3' end. VCF-style (leftmost placement, unchanged base first): chr2-43912425-CACTT-C. GRCh37 (hg19) VCF-style: chr2-44139564-CACTT-C.
Other names: NC_000002.11:g.44139567_44139570del; c.3275+1_3275+4del (NM_133259.4); c.3275+3_3275+6delAAGT (NM_133259.4).
Identifiers: ClinVar variation 1389572 (VCV001389572.6), dbSNP rs751788546, ClinGen allele CA1638134.

ClinVar aggregate classification (germline): Uncertain significance. Review status: criteria provided, multiple submitters, no conflicts (2 of 4 stars). 3 submissions from 3 submitters: Uncertain significance (3). Last evaluated 2026-06-22.

Submissions (4):

Women's Health and Genetics/Laboratory Corporation of America, LabCorp
Classification: Uncertain significance. Last evaluated: 2026-06-22. Review status: criteria provided, single submitter. Criteria: LabCorp Variant Classification Summary - May 2015. Collection method: clinical testing. Allele origin: germline.

Blueprint Genetics
Classification: Uncertain significance. Last evaluated: 2024-07-17. Review status: criteria provided, single submitter. Criteria: ACMG Guidelines, 2015. Collection method: clinical testing. Allele origin: germline.

Labcorp Genetics (formerly Invitae), Labcorp
Classification: Uncertain significance. Last evaluated: 2021-11-29. Review status: criteria provided, single submitter. Criteria: Invitae Variant Classification Sherloc (09022015). Collection method: clinical testing. Allele origin: germline.
Comment: This sequence change falls in intron 30 of the LRPPRC gene. It does not directly change the encoded amino acid sequence of the LRPPRC protein. It affects a nucleotide within the consensus splice site. This variant is present in population databases (rs751788546, gnomAD 0.003%). This variant has not been reported in the literature in individuals affected with LRPPRC-related conditions. Variants that disrupt the consensus splice site are a relatively common cause of aberrant splicing (PMID: 17576681, 9536098). Algorithms developed to predict the effect of sequence changes on RNA splicing suggest that this variant may disrupt the consensus splice site. In summary, the available evidence is currently insufficient to determine the role of this variant in disease. Therefore, it has been classified as a Variant of Uncertain Significance.

Dr. Peter K. Rogan Lab, Western University
No classification provided (evidence only). Condition: Colon adenocarcinoma. Review status: no classification provided. Collection method: in vitro. Allele origin: not applicable. Functional consequence: skipped exon. Not counted in ClinVar's aggregate classification.

Literature cited by the submitters: PubMed 17576681 (cited by Labcorp Genetics (formerly Invitae), Labcorp); PubMed 9536098 (cited by Labcorp Genetics (formerly Invitae), Labcorp).